The following is an entry in ClinVar:

NM_000218.3(KCNQ1):c.683+1G>A

Gene: KCNQ1 (potassium voltage-gated channel subfamily Q member 1; plus strand). Cytogenetic location: 11p15.5.
Variant type: single nucleotide variant.
Coding change: c.683+1G>A on transcript NM_000218.3 (MANE Select); the canonical splice donor site of the intron after coding-DNA position 683, G replaced by A.
Molecular consequence: splice donor variant. On other transcripts: intron variant (1).
Genome position (GRCh38, 1-based): chr11:2,571,404, G>A. VCF-style: chr11-2571404-G-A. GRCh37 (hg19) VCF-style: chr11-2592634-G-A.
Other names: c.478-12031G>A (NM_001406838.1); c.302+1G>A (NM_181798.2); c.413+1G>A (NM_001406837.1); c.683+1G>A (NM_001406836.1).
Identifiers: ClinVar variation 651458 (VCV000651458.17), dbSNP rs1589957233, ClinGen allele CA379130740.
Genomic context (GRCh38, chr11:2,571,404, plus strand): 5'-CTCCATGGTGGTCCTCTGCGTGGGCTCCAAGGGGCAGGTGTTTGCCACGTCGGCCATCAG[G>A]TGCGTCTGTGCCACAAGCTCCCCCCGCCATGCCGCCCCACCCCGAGCACCCCTCCTGAGC-3'

ClinVar aggregate classification (germline): Pathogenic/Likely pathogenic. Review status: criteria provided, multiple submitters, no conflicts (2 of 4 stars). 3 submissions from 3 submitters: Pathogenic (1); Likely pathogenic (2). Last evaluated 2025-05-19.

Conditions:
Long QT syndrome (LQTS). Identifiers: MedGen C0023976, MeSH D008133, MONDO:0002442. Disease mechanism: loss of function. Inheritance: Various modes of inheritance.
Familial long QT syndrome (RWS). Also called: VENTRICULAR FIBRILLATION WITH PROLONGED QT INTERVAL; Congenital long QT syndrome; Romano-Ward syndrome. Identifiers: Orphanet 768, MedGen C1141890, MONDO:0019171.

Submissions (3):

GeneDx
Classification: Pathogenic. Last evaluated: 2025-05-19. Review status: criteria provided, single submitter. Criteria: GeneDx Variant Classification Process June 2021. Collection method: clinical testing. Allele origin: germline. Affected: yes.
Comment: Canonical splice site variant predicted to result in a null allele in a gene for which loss-of-function is a known mechanism of disease; Not observed at significant frequency in large population cohorts (gnomAD); Has not been previously published as pathogenic or benign to our knowledge; This variant is associated with the following publications: (PMID: 26132555, 31447099)

Labcorp Genetics (formerly Invitae), Labcorp
Classification: Likely pathogenic for Long QT syndrome. Last evaluated: 2021-03-22. Review status: criteria provided, single submitter. Criteria: Invitae Variant Classification Sherloc (09022015). Collection method: clinical testing. Allele origin: germline.
Comment: Algorithms developed to predict the effect of sequence changes on RNA splicing suggest that this variant may disrupt the consensus splice site, but this prediction has not been confirmed by published transcriptional studies. This sequence change affects a donor splice site in intron 4 of the KCNQ1 gene. It is expected to disrupt RNA splicing and likely results in an absent or disrupted protein product. This variant is not present in population databases (ExAC no frequency). Disruption of this splice site has been observed in an individual affected with long QT syndrome (PMID: 26132555). Donor and acceptor splice site variants typically lead to a loss of protein function (PMID: 16199547), and loss-of-function variants in KCNQ1 are known to be pathogenic (PMID: 9323054, 19862833). In summary, the currently available evidence indicates that the variant is pathogenic, but additional data are needed to prove that conclusively. Therefore, this variant has been classified as Likely Pathogenic.

Laboratory for Molecular Medicine, Mass General Brigham Personalized Medicine
Classification: Likely pathogenic for Familial long QT syndrome. Last evaluated: 2017-09-08. Review status: criteria provided, single submitter. Criteria: LMM Criteria. Collection method: clinical testing. Allele origin: germline. Inheritance: Autosomal dominant inheritance. Observed: 1 variant allele.
Comment: The c.683+1G>A variant in KCNQ1 has not been previously reported in individuals with long QT syndrome or in large population studies. This variant occurs in the invariant region (+/- 1,2) of the splice consensus sequence and is predicted to cause altered splicing leading to an abnormal or absent protein. Loss-of-functi on variants in KCNQ1 are associated with LQTS (also known as Romano-Ward syndrom e) in the heterozygous state and with Jervell and Lange-Nielsen syndrome (JLNS) in the compound heterozygous or homozygous state. In summary, although additiona l studies are required to fully establish its clinical significance, the c.683+1 G>A variant is likely pathogenic. ACMG/AMP criteria applied: PVS1, PM2.

Literature cited by the submitters: PubMed 26132555 (cited by Labcorp Genetics (formerly Invitae), Labcorp); PubMed 16199547 (cited by Labcorp Genetics (formerly Invitae), Labcorp); PubMed 9323054 (cited by Labcorp Genetics (formerly Invitae), Labcorp); PubMed 19862833 (cited by Labcorp Genetics (formerly Invitae), Labcorp).